The following is an entry in ClinVar:

ClinVar aggregate classification (germline): other (0 of 4 stars; one submission).

Conditions:
Familial colorectal cancer. Identifiers: MedGen CN280943, MONDO:0023113. Disease mechanism: loss of function.

Allele frequency attached by ClinVar (database versions not stated): TOPMed 0.00001.

Submission:

Systems Biology Platform Zhejiang California International NanoSystems Institute
Classification: other for Familial colorectal cancer. Review status: no assertion criteria provided. Collection method: not provided. Allele origin: unknown.
ClinVar note: Converted during submission from cancer to other.

NM_000038.6(APC):c.1958+860T>C

Gene: APC (APC regulator of WNT signaling pathway; plus strand). Cytogenetic location: 5q22.2.
Variant type: single nucleotide variant.
Coding change: c.1958+860T>C on transcript NM_000038.6 (MANE Select); 860 bases into the intron after coding-DNA position 1958, T replaced by C.
Molecular consequence: intron variant.
Genome position (GRCh38, 1-based): chr5:112,836,025, T>C. VCF-style: chr5-112836025-T-C. GRCh37 (hg19) VCF-style: chr5-112171722-T-C.
Other names: c.1958+860T>C (NM_001354895.2, NM_001127510.3); c.1988+860T>C (NM_001354897.2); c.1685+860T>C (NM_001354902.2); c.1904+860T>C (NM_001127511.3); c.1883+860T>C (NM_001354898.2); c.1580+860T>C (NM_001354904.2); c.1109+860T>C (NM_001354906.2); c.2012+860T>C (NM_001354896.2); and 5 more.
Identifiers: ClinVar variation 83223 (VCV000083223.2), dbSNP rs79031187, ClinGen allele CA006753.